The following is an entry in ClinVar:

NM_001242896.3(DEPDC5):c.1118C>A (p.Pro373Gln)

Gene: DEPDC5 (DEP domain containing 5, GATOR1 subcomplex subunit; plus strand). Cytogenetic location: 22q12.3.
Variant type: single nucleotide variant.
Coding change: c.1118C>A on transcript NM_001242896.3 (MANE Select); coding-DNA position 1118, C replaced by A.
Protein change: p.Pro373Gln; replaces proline 373 with glutamine.
Molecular consequence: missense variant. On other transcripts: non-coding transcript variant (5).
Genome position (GRCh38, 1-based): chr22:31,804,198, C>A. VCF-style: chr22-31804198-C-A. GRCh37 (hg19) VCF-style: chr22-32200184-C-A.
Other names: c.1118C>A, p.Pro373Gln (NM_001007188.4, NM_001136029.4, NM_001242897.2 and 7 more transcripts); c.1034C>A, p.Pro345Gln (NM_001369901.1, NM_001369902.1); short protein forms P373Q, P345Q.
Identifiers: ClinVar variation 1392201 (VCV001392201.6), dbSNP rs2148649494, ClinGen allele CA411293438.

ClinVar aggregate classification (germline): Uncertain significance (1 of 4 stars; one submission).

Conditions:
Familial focal epilepsy with variable foci (FPEVF). Identifiers: Orphanet 98820, MedGen C1858477, MONDO:0020310.

Submission:

Labcorp Genetics (formerly Invitae), Labcorp
Classification: Uncertain significance for Familial focal epilepsy with variable foci. Last evaluated: 2022-09-27. Review status: criteria provided, single submitter. Criteria: Invitae Variant Classification Sherloc (09022015). Collection method: clinical testing. Allele origin: germline.
Comment: Algorithms developed to predict the effect of missense changes on protein structure and function are either unavailable or do not agree on the potential impact of this missense change (SIFT: "Deleterious"; PolyPhen-2: "Not Available"; Align-GVGD: "Class C65"). In summary, the available evidence is currently insufficient to determine the role of this variant in disease. Therefore, it has been classified as a Variant of Uncertain Significance. This variant has not been reported in the literature in individuals affected with DEPDC5-related conditions. This variant is not present in population databases (gnomAD no frequency). This sequence change replaces proline, which is neutral and non-polar, with glutamine, which is neutral and polar, at codon 373 of the DEPDC5 protein (p.Pro373Gln). ClinVar contains an entry for this variant (Variation ID: 1392201).